The following is an entry in ClinVar:

NM_001366057.1(OTUD4):c.646G>A (p.Ala216Thr)

Gene: OTUD4 (OTU deubiquitinase 4; minus strand). Cytogenetic location: 4q31.21.
Variant type: single nucleotide variant.
Coding change: c.646G>A on transcript NM_001366057.1 (MANE Select); coding-DNA position 646, G replaced by A.
Protein change: p.Ala216Thr; replaces alanine 216 with threonine.
Molecular consequence: missense variant.
Genome position (GRCh38, 1-based): chr4:145,155,980, C>T on the plus strand (G>A on the coding strand, the complement: OTUD4 is on the minus strand). VCF-style: chr4-145155980-C-T. GRCh37 (hg19) VCF-style: chr4-146077132-C-T.
Other names: c.451G>A, p.Ala151Thr (NM_001102653.1); short protein forms A151T, A216T.
Identifiers: ClinVar variation 3055796 (VCV003055796.2), dbSNP rs36225838, ClinGen allele CA3094628.
Genomic context (GRCh38, chr4:145,155,980, plus strand): 5'-CTTTTAAAAAAAATACCTCATTGCCTGACAAAGGTTTAAATCCATTCACATCAGCAGCAG[C>T]AGCAGCAGTCTTACTCCTACAAAGAAAGATAACCATAATTGGGGCAGAAAAAGGTATTTG-3'
Protein context (NP_001352986.1, residues 206-226): DDSCKSKTAA[Ala216Thr]AADVNGFKPL

ClinVar aggregate classification (germline): Benign (0 of 4 stars; one submission).

Conditions:
OTUD4-related disorder. Also called: OTUD4-related condition.

Allele frequency attached by ClinVar (database versions not stated): 1000 Genomes Project 0.01358; 1000 Genomes Project 30x 0.01452; ExAC 0.02623; gnomAD 0.02645; TOPMed 0.02779; ESP Exome Variant Server 0.02907; gnomAD exomes 0.03268.
gnomAD v4.1: 51,663 of 1,609,582 alleles (3.2%); highest among the groups gnomAD compares: Non-Finnish European, 3.7%; 970 homozygotes.

Submission:

PreventionGenetics, part of Exact Sciences
Classification: Benign for OTUD4-related condition. Last evaluated: 2019-10-30. Review status: no assertion criteria provided. Collection method: clinical testing. Allele origin: germline.
Comment: This variant is classified as benign based on ACMG/AMP sequence variant interpretation guidelines (Richards et al. 2015 PMID: 25741868, with internal and published modifications).